The following is an entry in ClinVar:

NM_031220.4(PITPNM3):c.286C>T (p.Arg96Trp)

Gene: PITPNM3 (PITPNM family member 3; minus strand). Cytogenetic location: 17p13.2.
Variant type: single nucleotide variant.
Coding change: c.286C>T on transcript NM_031220.4 (MANE Select); coding-DNA position 286, C replaced by T.
Protein change: p.Arg96Trp; replaces arginine 96 with tryptophan.
Molecular consequence: missense variant.
Genome position (GRCh38, 1-based): chr17:6,484,281, G>A on the plus strand (C>T on the coding strand, the complement: PITPNM3 is on the minus strand). VCF-style: chr17-6484281-G-A. GRCh37 (hg19) VCF-style: chr17-6387601-G-A.
Other names: c.178C>T, p.Arg60Trp (NM_001165966.2); short protein forms R60W, R96W.
Identifiers: ClinVar variation 956862 (VCV000956862.10), dbSNP rs200582845, ClinGen allele CA8329875.

ClinVar aggregate classification (germline): Uncertain significance. Review status: criteria provided, multiple submitters, no conflicts (2 of 4 stars). 3 submissions from 3 submitters: Uncertain significance (3). Last evaluated 2025-03-17.

Allele frequency attached by ClinVar (database versions not stated): gnomAD 0.00006 and 0.00007; gnomAD exomes 0.00006 and 0.00007; ExAC 0.00008; TOPMed 0.00010; ESP Exome Variant Server 0.00015.

Submissions (3):

Labcorp Genetics (formerly Invitae), Labcorp
Classification: Uncertain significance. Last evaluated: 2025-03-17. Review status: criteria provided, single submitter. Criteria: Invitae Variant Classification Sherloc (09022015). Collection method: clinical testing. Allele origin: germline.
Comment: This sequence change replaces arginine, which is basic and polar, with tryptophan, which is neutral and slightly polar, at codon 96 of the PITPNM3 protein (p.Arg96Trp). This variant is present in population databases (rs200582845, gnomAD 0.02%). This variant has not been reported in the literature in individuals affected with PITPNM3-related conditions. ClinVar contains an entry for this variant (Variation ID: 956862). An algorithm developed to predict the effect of missense changes on protein structure and function (PolyPhen-2) suggests that this variant is likely to be disruptive. In summary, the available evidence is currently insufficient to determine the role of this variant in disease. Therefore, it has been classified as a Variant of Uncertain Significance.

Blueprint Genetics
Classification: Uncertain significance. Last evaluated: 2023-11-08. Review status: criteria provided, single submitter. Criteria: ACMG Guidelines, 2015. Collection method: clinical testing. Allele origin: germline.

Ambry Genetics
Classification: Uncertain significance. Last evaluated: 2023-08-10. Review status: criteria provided, single submitter. Criteria: Ambry Variant Classification Scheme 2023. Collection method: clinical testing. Allele origin: germline.